The following is an entry in ClinVar:

NM_000545.8(HNF1A):c.1165T>G (p.Leu389Val)

Gene: HNF1A (HNF1 homeobox A; plus strand). Cytogenetic location: 12q24.31.
Variant type: single nucleotide variant.
Coding change: c.1165T>G on transcript NM_000545.8 (MANE Select); coding-DNA position 1165, T replaced by G.
Protein change: p.Leu389Val; replaces leucine 389 with valine.
Molecular consequence: missense variant.
Genome position (GRCh38, 1-based): chr12:120,996,598, T>G. VCF-style: chr12-120996598-T-G. GRCh37 (hg19) VCF-style: chr12-121434401-T-G.
Other names: c.1165T>G, p.Leu389Val (NM_001306179.2); short protein forms L389V.
Identifiers: ClinVar variation 134511 (VCV000134511.27), dbSNP rs115080759, ClinGen allele CA160019.

ClinVar aggregate classification (germline): Benign/Likely benign. Review status: criteria provided, multiple submitters, no conflicts (2 of 4 stars). 13 submissions from 12 submitters: Benign (3); Likely benign (8). 2 of the submissions do not count toward it. Last evaluated 2026-01-28.

Conditions:
Monogenic diabetes. Identifiers: Orphanet 183625, MedGen C3888631, MONDO:0015967.
Maturity-onset diabetes of the young (MODY). Also called: Maturity onset diabetes mellitus in young. Identifiers: Orphanet 552, MedGen C0342276, MONDO:0018911, HP:0004904.
Nonpapillary renal cell carcinoma. Identifiers: Orphanet 422526, MedGen CN074294, MONDO:0007763, OMIM 144700.
Maturity-onset diabetes of the young type 3. Also called: MODY type 3; MODY, type III. Identifiers: Orphanet 552, MedGen C1838100, MeSH C563933, MONDO:0010894, OMIM 600496. Disease mechanism: loss of function.

Allele frequency attached by ClinVar (database versions not stated): gnomAD exomes 0.00020 and 0.00043; ExAC 0.00054; TOPMed 0.00183; gnomAD 0.00187 and 0.00198; ESP Exome Variant Server 0.00208; 1000 Genomes Project 30x 0.00234; 1000 Genomes Project 0.00260.
gnomAD v4.1: 593 of 1,614,040 alleles (0.037%); highest among the groups gnomAD compares: African/African-American, 0.7%; 4 homozygotes.

Submissions (13):

Labcorp Genetics (formerly Invitae), Labcorp
Classification: Benign. Last evaluated: 2026-01-28. Review status: criteria provided, single submitter. Criteria: Invitae Variant Classification Sherloc (09022015). Collection method: clinical testing. Allele origin: germline.

KCCC/NGS Laboratory, Kuwait Cancer Control Center
Classification: Benign for Maturity-onset diabetes of the young type 3. Last evaluated: 2025-02-01. Review status: criteria provided, single submitter. Criteria: ACMG Guidelines, 2015. Collection method: clinical testing. Allele origin: germline. Affected: no.

Blueprint Genetics
Classification: Likely benign. Last evaluated: 2024-09-11. Review status: criteria provided, single submitter. Criteria: ACMG Guidelines, 2015. Collection method: clinical testing. Allele origin: germline.

Athena Diagnostics
Classification: Benign. Last evaluated: 2024-07-31. Review status: criteria provided, single submitter. Criteria: Athena Diagnostics Criteria. Collection method: clinical testing. Allele origin: unknown.

KCCC/NGS Laboratory, Kuwait Cancer Control Center
Classification: Likely benign for Nonpapillary renal cell carcinoma. Last evaluated: 2023-07-07. Review status: criteria provided, single submitter. Criteria: ACMG Guidelines, 2015. Collection method: clinical testing. Allele origin: germline. Affected: yes.

Women's Health and Genetics/Laboratory Corporation of America, LabCorp
Classification: Likely benign. Last evaluated: 2021-05-14. Review status: criteria provided, single submitter. Criteria: LabCorp Variant Classification Summary - May 2015. Collection method: clinical testing. Allele origin: germline.
Comment: Variant summary: HNF1A c.1165T>G (p.Leu389Val) results in a conservative amino acid change located in the Hepatocyte nuclear factor 1, beta isoform, C-terminal domain (IPR006897) of the encoded protein sequence. Three of five in-silico tools predict a damaging effect of the variant on protein function. The variant allele was found at a frequency of 0.00061 in 284186 control chromosomes, predominantly at a frequency of 0.0063 within the African or African-American subpopulation in the gnomAD database. The observed variant frequency within African or African-American control individuals in the gnomAD database is approximately 252 fold of the estimated maximal expected allele frequency for a pathogenic variant in HNF1A causing Maturity Onset Diabetes Of The Young 3 phenotype (2.5e-05), strongly suggesting that the variant is a benign polymorphism found primarily in populations of African or African-American origin. c.1165T>G has been reported in the literature in individuals affected with Maturity Onset Diabetes Of The Young 3 (Bellanne_Chantelot_2008, Jeannot_2010, Flannick_2013) as well as in healthy controls (Bodian_2014). These reports do not provide unequivocal conclusions about association of the variant with Maturity Onset Diabetes Of The Young 3. Two functional studies reported this variant results in reduced transcriptional activity in cells (Najmi_2016, Juszczak_2018). Four ClinVar submitters (evaluation after 2014) cite the variant as benign (n=1) and likely benign (n=3). Based on the evidence outlined above, the variant was classified as likely benign.

Ambry Genetics
Classification: Likely benign for Maturity-onset diabetes of the young. Last evaluated: 2021-04-05. Review status: criteria provided, single submitter. Criteria: Ambry Variant Classification Scheme 2023. Collection method: clinical testing. Allele origin: germline.

Genetic Services Laboratory, University of Chicago
Classification: Likely benign. Last evaluated: 2021-01-19. Review status: criteria provided, single submitter. Criteria: ACMG Guidelines, 2015. Collection method: clinical testing. Allele origin: germline. Affected: no.

Mendelics
Classification: Likely benign for Maturity-onset diabetes of the young type 3. Last evaluated: 2019-05-28. Review status: criteria provided, single submitter. Criteria: Mendelics Assertion Criteria 2017. Collection method: clinical testing. Allele origin: unknown.

Personalized Diabetes Medicine Program, University of Maryland School of Medicine
Classification: Likely benign for Monogenic diabetes. Last evaluated: 2018-01-26. Review status: criteria provided, single submitter. Criteria: ACMG Guidelines, 2015. Collection method: research. Allele origin: unknown. Observed: 3 variant alleles, 3 heterozygotes.
Comment: ACMG criteria: PP3 (5 predictors), BP4 (4 predictors), BS2 (17 cases and 16 controls in T2DM, 169 hets in gnomAD)=likely benign

GeneDx
Classification: Likely benign. Last evaluated: 2017-12-13. Review status: criteria provided, single submitter. Criteria: GeneDx Variant Classification (06012015). Collection method: clinical testing. Allele origin: germline. Affected: yes.
Comment: This variant is considered likely benign or benign based on one or more of the following criteria: it is a conservative change, it occurs at a poorly conserved position in the protein, it is predicted to be benign by multiple in silico algorithms, and/or has population frequency not consistent with disease.

ITMI
No classification provided. Condition: AllHighlyPenetrant. Last evaluated: 2013-09-19. Review status: no classification provided. Collection method: reference population. Allele origin: germline. Not counted in ClinVar's aggregate classification.
Comment: Please see associated publication for description of ethnicities

Clinical Genomics, Uppaluri K&H Personalized Medicine Clinic
Classification: Likely risk allele for Maturity-onset diabetes of the young type 3. Last evaluated: 2024-02-10. Review status: flagged submission. Criteria: K & H Uppaluri Personalized Medicine Clinic Variant Classification & Assertion Criteria_Updated V.1. Collection method: research. Allele origin: unknown. Inheritance: Autosomal dominant inheritance. Not counted in ClinVar's aggregate classification.
Comment: Mutations in HNF1A gene can predispose to MODY3. It is associated with both micro and macrovascular complications of diabetes, especially cardiovascular complications. Associated with glucosuria. May respond well to sulfonylureas. Sufficient evidence is found to confer the association of this particular variant rs115080759 with MODY3.This variant is a potent moderate impact variant with a CADD score of 20.7 and sufficient scientific evidence to support the reported classification. This is found more frequently in MODY cases as per recent evidence as well.
ClinVar note: Reason: Outlier claim with insufficient supporting evidence

Literature cited by the submitters: PubMed 33363396 (cited by 3 submitters); PubMed 32910913 (cited by 3 submitters); PubMed 30455330 (cited by Athena Diagnostics and Women's Health and Genetics/Laboratory Corporation of America, LabCorp); PubMed 29758564 (cited by Athena Diagnostics and Women's Health and Genetics/Laboratory Corporation of America, LabCorp); PubMed 27899486 (cited by Athena Diagnostics and Women's Health and Genetics/Laboratory Corporation of America, LabCorp); PubMed 24097065 (cited by Athena Diagnostics and Women's Health and Genetics/Laboratory Corporation of America, LabCorp); PubMed 23771925 (cited by Athena Diagnostics and Women's Health and Genetics/Laboratory Corporation of America, LabCorp); PubMed 18003757 (cited by Athena Diagnostics and Women's Health and Genetics/Laboratory Corporation of America, LabCorp); PubMed 20393147 (cited by Athena Diagnostics and Women's Health and Genetics/Laboratory Corporation of America, LabCorp); PubMed 20981092 (cited by Women's Health and Genetics/Laboratory Corporation of America, LabCorp); PubMed 24728327 (cited by Women's Health and Genetics/Laboratory Corporation of America, LabCorp and ITMI).